The following is an entry in ClinVar:

NM_002495.4(NDUFS4):c.98+207G>T

Genes: NDUFS4 (NADH:ubiquinone oxidoreductase subunit S4; plus strand), LOC129993885 (ATAC-STARR-seq lymphoblastoid active region 22547; plus strand). Cytogenetic location: 5q11.2.
Variant type: single nucleotide variant.
Coding change: c.98+207G>T on transcript NM_002495.4 (MANE Select); 207 bases into the intron after coding-DNA position 98, G replaced by T.
Molecular consequence: intron variant.
Genome position (GRCh38, 1-based): chr5:53,560,967, G>T. VCF-style: chr5-53560967-G-T. GRCh37 (hg19) VCF-style: chr5-52856797-G-T.
Other names: c.98+207G>T (NM_001318051.2).
Identifiers: ClinVar variation 669914 (VCV000669914.1), dbSNP rs1532162, ClinGen allele CA12115802.

ClinVar aggregate classification (germline): Benign (1 of 4 stars; one submission).

Allele frequency attached by ClinVar (database versions not stated): 1000 Genomes Project 30x 0.31918; 1000 Genomes Project 0.31929; gnomAD 0.22198 and 0.22579; TOPMed 0.23812.
gnomAD v4.1: 34,171 of 151,960 alleles (22%); highest among the groups gnomAD compares: East Asian, 46%; 4,707 homozygotes.

Submission:

GeneDx
Classification: Benign. Last evaluated: 2018-06-14. Review status: criteria provided, single submitter. Criteria: GeneDx Variant Classification (06012015). Collection method: clinical testing. Allele origin: germline. Affected: yes.
Comment: This variant is considered likely benign or benign based on one or more of the following criteria: it is a conservative change, it occurs at a poorly conserved position in the protein, it is predicted to be benign by multiple in silico algorithms, and/or has population frequency not consistent with disease.